The following is an entry in ClinVar:

ClinVar aggregate classification (germline): Uncertain significance. Review status: criteria provided, multiple submitters, no conflicts (2 of 4 stars). 3 submissions from 3 submitters: Uncertain significance (3). Last evaluated 2025-11-15.

Conditions:
Hereditary cancer-predisposing syndrome. Also called: Hereditary Cancer Syndrome; Tumor predisposition; Hereditary neoplastic syndrome; Neoplastic Syndromes, Hereditary. Identifiers: Orphanet 140162, MedGen C0027672, MeSH D009386, MONDO:0015356.
Familial adenomatous polyposis 1 (FAP1). Also called: POLYPOSIS, ADENOMATOUS INTESTINAL; FAMILIAL ADENOMATOUS POLYPOSIS 1, ATTENUATED. Identifiers: MedGen C2713442, MONDO:0021056, OMIM 175100. Disease mechanism: loss of function.

Submissions (3):

Ambry Genetics
Classification: Uncertain significance for Hereditary cancer-predisposing syndrome. Last evaluated: 2025-11-15. Review status: criteria provided, single submitter. Criteria: Ambry Variant Classification Scheme 2023. Collection method: clinical testing. Allele origin: germline.
Comment: The p.L1575V variant (also known as c.4723C>G), located in coding exon 15 of the APC gene, results from a C to G substitution at nucleotide position 4723. The leucine at codon 1575 is replaced by valine, an amino acid with highly similar properties. This amino acid position is conserved. In addition, in silico predictors for this gene do not accurately predict pathogenicity. Based on the available evidence, the clinical significance of this variant remains unclear.

Baylor Genetics
Classification: Uncertain significance for Familial adenomatous polyposis 1. Last evaluated: 2023-05-09. Review status: criteria provided, single submitter. Criteria: ACMG Guidelines, 2015. Collection method: clinical testing. Allele origin: unknown.

Labcorp Genetics (formerly Invitae), Labcorp
Classification: Uncertain significance for Familial adenomatous polyposis 1. Last evaluated: 2022-01-06. Review status: criteria provided, single submitter. Criteria: Invitae Variant Classification Sherloc (09022015). Collection method: clinical testing. Allele origin: germline.
Comment: Algorithms developed to predict the effect of missense changes on protein structure and function (SIFT, PolyPhen-2, Align-GVGD) all suggest that this variant is likely to be disruptive. This variant has not been reported in the literature in individuals affected with APC-related conditions. This variant is not present in population databases (gnomAD no frequency). This sequence change replaces leucine, which is neutral and non-polar, with valine, which is neutral and non-polar, at codon 1575 of the APC protein (p.Leu1575Val). In summary, the available evidence is currently insufficient to determine the role of this variant in disease. Therefore, it has been classified as a Variant of Uncertain Significance. Algorithms developed to predict the effect of sequence changes on RNA splicing suggest that this variant may create or strengthen a splice site.

NM_000038.6(APC):c.4723C>G (p.Leu1575Val)

Gene: APC (APC regulator of Wnt signaling pathway; plus strand). Cytogenetic location: 5q22.2.
Variant type: single nucleotide variant.
Coding change: c.4723C>G on transcript NM_000038.6 (MANE Select); coding-DNA position 4723, C replaced by G.
Protein change: p.Leu1575Val; replaces leucine 1575 with valine.
Molecular consequence: missense variant.
Genome position (GRCh38, 1-based): chr5:112,840,317, C>G. VCF-style: chr5-112840317-C-G. GRCh37 (hg19) VCF-style: chr5-112176014-C-G.
Other names: c.4723C>G (NM_000038.5); c.4723C>G, p.Leu1575Val (NM_001127510.3, NM_001354895.2, NM_001407450.1); c.4669C>G, p.Leu1557Val (NM_001127511.3); c.4777C>G, p.Leu1593Val (NM_001354896.2, NM_001407447.1, NM_001407448.1 and 1 more transcripts); c.4753C>G, p.Leu1585Val (NM_001354897.2); c.4648C>G, p.Leu1550Val (NM_001354898.2); c.4639C>G, p.Leu1547Val (NM_001354899.2); c.4600C>G, p.Leu1534Val (NM_001354900.2); and 12 more; short protein forms L1446V, L1474V, L1484V, L1492V, L1550V, L1585V, L1547V, L1568V.
Identifiers: ClinVar variation 2076187 (VCV002076187.6), dbSNP rs1057523466, ClinGen allele CA16031690.